The following is an entry in ClinVar:

ClinVar aggregate classification (germline): Uncertain significance. Review status: criteria provided, multiple submitters, no conflicts (2 of 4 stars). 2 submissions from 2 submitters: Uncertain significance (2). Last evaluated 2025-04-28.

Conditions:
Inborn genetic diseases. Identifiers: MedGen C0950123, MeSH D030342.

Allele frequency attached by ClinVar (database versions not stated): ExAC 0.00001; gnomAD exomes 0.00001; gnomAD 0.00002; TOPMed 0.00002.
gnomAD v4.1: 38 of 1,209,477 alleles (0.0031%); highest among the groups gnomAD compares: Non-Finnish European, 0.0037%; no homozygotes.

Submissions (2):

Labcorp Genetics (formerly Invitae), Labcorp
Classification: Uncertain significance. Last evaluated: 2025-04-28. Review status: criteria provided, single submitter. Criteria: Invitae Variant Classification Sherloc (09022015). Collection method: clinical testing. Allele origin: germline.
Comment: This sequence change replaces arginine, which is basic and polar, with cysteine, which is neutral and slightly polar, at codon 600 of the FRMD7 protein (p.Arg600Cys). This variant is present in population databases (rs779971174, gnomAD 0.003%), including at least one homozygous and/or hemizygous individual. This variant has not been reported in the literature in individuals affected with FRMD7-related conditions. ClinVar contains an entry for this variant (Variation ID: 1378983). An algorithm developed to predict the effect of missense changes on protein structure and function (PolyPhen-2) suggests that this variant is likely to be disruptive. In summary, the available evidence is currently insufficient to determine the role of this variant in disease. Therefore, it has been classified as a Variant of Uncertain Significance.

Ambry Genetics
Classification: Uncertain significance for Inborn genetic diseases. Last evaluated: 2024-06-02. Review status: criteria provided, single submitter. Criteria: Ambry Variant Classification Scheme 2023. Collection method: clinical testing. Allele origin: germline.

NM_194277.3(FRMD7):c.1798C>T (p.Arg600Cys)

Gene: FRMD7 (FERM domain containing 7; minus strand). Cytogenetic location: Xq26.2.
Variant type: single nucleotide variant.
Coding change: c.1798C>T on transcript NM_194277.3 (MANE Select); coding-DNA position 1798, C replaced by T.
Protein change: p.Arg600Cys; replaces arginine 600 with cysteine.
Molecular consequence: missense variant.
Genome position (GRCh38, 1-based): chrX:132,078,219, G>A on the plus strand (C>T on the coding strand, the complement: FRMD7 is on the minus strand). VCF-style: chrX-132078219-G-A. GRCh37 (hg19) VCF-style: chrX-131212247-G-A.
Other names: c.1753C>T, p.Arg585Cys (NM_001306193.2); c.1798C>T (NM_194277.2); short protein forms R600C, R585C.
Identifiers: ClinVar variation 1378983 (VCV001378983.7), dbSNP rs779971174, ClinGen allele CA10518815.